The following is an entry in ClinVar:

NM_130839.5(UBE3A):c.1577G>A (p.Arg526His)

Genes: SNHG14 (small nucleolar RNA host gene 14; plus strand), UBE3A (ubiquitin protein ligase E3A; minus strand). Cytogenetic location: 15q11.2.
Variant type: single nucleotide variant.
Coding change: c.1577G>A on transcript NM_130839.5 (MANE Select); coding-DNA position 1577, G replaced by A.
Protein change: p.Arg526His; replaces arginine 526 with histidine.
Molecular consequence: missense variant. On other transcripts: non-coding transcript variant (1), intron variant (2).
Genome position (GRCh38, 1-based): chr15:25,370,597, C>T on the plus strand (G>A on the coding strand, the complement: UBE3A is on the minus strand). VCF-style: chr15-25370597-C-T. GRCh37 (hg19) VCF-style: chr15-25615744-C-T.
Other names: c.1577G>A, p.Arg526His (NM_001354538.2, NM_001354545.2, NM_001354505.1); c.1517G>A, p.Arg506His (NM_001354539.2, NM_001354540.2, NM_001354541.2 and 17 more transcripts); c.1400G>A, p.Arg467His (NM_001354546.2); c.301+4868G>A (NM_001354551.2); c.361+4868G>A (NM_001354550.2); c.1586G>A, p.Arg529His (NM_000462.5); c.1577G>A (NM_130839.4); short protein forms R506H, R529H, R526H, R467H.
Identifiers: ClinVar variation 421257 (VCV000421257.13), dbSNP rs1064795012, ClinGen allele CA16619906.
Genomic context (GRCh38, chr15:25,370,597, plus strand): 5'-TAGGTTTTTAATCTAGCAGCCCAACTTACCCGGACAAGTGCATCATCTATGATATGGTCA[C>T]GTCTAACTTTGAGTCTCAAATATGGATTCAACTGCTGTCCTTGAACTAAGCTGTAGAGAA-3'
Protein context (NP_570854.1, residues 516-536): LNPYLRLKVR[Arg526His]DHIIDDALVR

ClinVar aggregate classification (germline): Likely pathogenic. Review status: criteria provided, multiple submitters, no conflicts (2 of 4 stars). 6 submissions from 6 submitters: Likely pathogenic (6). Last evaluated 2025-11-20.

Conditions:
Inborn genetic diseases. Identifiers: MedGen C0950123, MeSH D030342.
Angelman syndrome (AS). Also called: HAPPY PUPPET SYNDROME. Identifiers: Orphanet 72, MedGen C0162635, MONDO:0007113, OMIM 105830. Disease mechanism: loss of function. Inheritance: AS is caused by disruption of maternally imprinted UBE3A located within the 15q11.2-q13 Angelman syndrome/Prader-Willi syndrome (AS/PWS) region., imprinting disorder.

Submissions (6):

Medical Genetics, Karadeniz Technical University
Classification: Likely pathogenic for Angelman syndrome. Last evaluated: 2025-11-20. Review status: criteria provided, single submitter. Criteria: ACMG Guidelines, 2015. Collection method: clinical testing. Allele origin: maternal. Affected: yes.
Comment: Pathogenic variations of UBE3A gene leads to Angelman syndrome caused by absence of a maternal contribution to the imprinted region on chromosome 15q11-q13. Revel and Alphamissense scores show strong deleterious effect on protein. The variation is not found in GnomAd (v4.1) and reported several times as likely pathogenic in ClinVar database. Patient's clinic is consistent with Angelman syndrome, therefore variation is classified as likely pathogenic.

Genetics Department, Catlab
Classification: Likely pathogenic for Angelman syndrome. Last evaluated: 2024-10-22. Review status: criteria provided, single submitter. Criteria: ACMG Guidelines, 2015. Collection method: clinical testing. Allele origin: maternal. Affected: yes. Observed: 1 variant allele.
Comment: The variant is absent from the gnomAD 4.0 (PM2) and its REVEL score is 0.971 (PP3_Strong). Another amino acid change in the same position, NM_130839.4:c.1576C>T (p.Arg526Cys), has been previously reported as pathogenic (PM5). With all the available evidence, the variant is classified as likely pathogenic.

Labcorp Genetics (formerly Invitae), Labcorp
Classification: Likely pathogenic for Angelman syndrome. Last evaluated: 2022-11-29. Review status: criteria provided, single submitter. Criteria: Invitae Variant Classification Sherloc (09022015). Collection method: clinical testing. Allele origin: germline.
Comment: This sequence change replaces arginine with histidine at codon 506 of the UBE3A protein (p.Arg506His). The arginine residue is highly conserved and there is a small physicochemical difference between arginine and histidine. This variant is not present in population databases (gnomAD no frequency). This variant has not been reported in the literature in individuals affected with UBE3A-related conditions. ClinVar contains an entry for this variant (Variation ID: 421257). Advanced modeling of protein sequence and biophysical properties (such as structural, functional, and spatial information, amino acid conservation, physicochemical variation, residue mobility, and thermodynamic stability) performed at Invitae indicates that this missense variant is expected to disrupt UBE3A protein function. This variant disrupts the p.Arg506 amino acid residue in UBE3A. Other variant(s) that disrupt this residue have been determined to be pathogenic (PMID: 19213023, 26255772). This suggests that this residue is clinically significant, and that variants that disrupt this residue are likely to be disease-causing. In summary, the currently available evidence indicates that the variant is pathogenic, but additional data are needed to prove that conclusively. Therefore, this variant has been classified as Likely Pathogenic.

Mendelics
Classification: Likely pathogenic for Angelman syndrome. Last evaluated: 2019-05-28. Review status: criteria provided, single submitter. Criteria: Mendelics Assertion Criteria 2017. Collection method: clinical testing. Allele origin: unknown.

Ambry Genetics
Classification: Likely pathogenic for Inborn genetic diseases. Last evaluated: 2017-12-18. Review status: criteria provided, single submitter. Criteria: Ambry exome assertion method (8-5-2015). Collection method: clinical testing. Allele origin: germline. Affected: yes. Observed: 1 variant allele.

GeneDx
Classification: Likely pathogenic. Last evaluated: 2016-06-08. Review status: criteria provided, single submitter. Criteria: GeneDx Variant Classification (06012015). Collection method: clinical testing. Allele origin: germline. Affected: yes.
Comment: The R506H variant has not been published as a pathogenic variant, nor has it been reported as a benignvariant to our knowledge. However, a different missense variant at the same position (R506C) hasbeen reported multiple times previously in association with Angelman syndrome (Baumer et al.,1999; Camprubi et al., 2009; Carvill et al., 2013). The R506H variant was not observed inapproximately 6,500 individuals of European and African American ancestry in the NHLBI ExomeSequencing Project, indicating it is not a common benign variant in these populations. Thissubstitution occurs at a position that is conserved across species. In silico analysis predicts thisvariant is probably damaging to the protein structure/function. However, the R506H variant is aconservative amino acid substitution, which is not likely to impact secondary protein structure asthese residues share similar properties. Therefore, this variant is likely pathogenic; however, thepossibility that it is benign cannot be excluded.

Literature cited by the submitters: PubMed 19213023 (cited by Labcorp Genetics (formerly Invitae), Labcorp); PubMed 26255772 (cited by Labcorp Genetics (formerly Invitae), Labcorp and Ambry Genetics).